The following is an entry in ClinVar:

NM_018075.5(ANO10):c.1853G>A (p.Arg618Gln)

Gene: ANO10 (anoctamin 10; minus strand). Cytogenetic location: 3p22.1.
Variant type: single nucleotide variant.
Coding change: c.1853G>A on transcript NM_018075.5 (MANE Select); coding-DNA position 1853, G replaced by A.
Protein change: p.Arg618Gln; replaces arginine 618 with glutamine.
Molecular consequence: missense variant. On other transcripts: intron variant (3).
Genome position (GRCh38, 1-based): chr3:43,432,672, C>T on the plus strand (G>A on the coding strand, the complement: ANO10 is on the minus strand). VCF-style: chr3-43432672-C-T. GRCh37 (hg19) VCF-style: chr3-43474164-C-T.
Other names: c.1655G>A, p.Arg552Gln (NM_001204832.3, NM_001346466.2, NM_001346469.2); c.1520G>A, p.Arg507Gln (NM_001204833.3); c.1283G>A, p.Arg428Gln (NM_001204834.3); c.1970G>A, p.Arg657Gln (NM_001346464.2, NM_001346467.2); c.1853G>A, p.Arg618Gln (NM_001346468.2); c.1798-65698G>A (NM_001346465.2); c.1798-59825G>A (NM_001204831.3); c.1915-65698G>A (NM_001346463.2); short protein forms R428Q, R507Q, R552Q, R618Q, R657Q.
Identifiers: ClinVar variation 2684267 (VCV002684267.1), dbSNP rs778038012, ClinGen allele CA2340648.

ClinVar aggregate classification (germline): Uncertain significance (1 of 4 stars; one submission).

Allele frequency attached by ClinVar (database versions not stated): TOPMed 0.00001; gnomAD 0.00002; ExAC 0.00003; gnomAD exomes below 0.00001.
gnomAD v4.1: 9 of 1,613,744 alleles (0.00056%); highest among the groups gnomAD compares: African/African-American, 0.0027%; no homozygotes.

Submission:

Athena Diagnostics
Classification: Uncertain significance. Last evaluated: 2023-06-21. Review status: criteria provided, single submitter. Criteria: Athena Diagnostics Criteria. Collection method: clinical testing. Allele origin: unknown.
Comment: Available data are insufficient to determine the clinical significance of the variant at this time. The frequency of this variant in the general population is uninformative in assessment of its pathogenicity. Computational tools predict that this variant is not damaging.